The following is an entry in ClinVar:

ClinVar aggregate classification (germline): Uncertain significance (1 of 4 stars; one submission).

Conditions:
SMARCC2-related disorder. Also called: SMARCC2-related condition.

gnomAD v4.1: 13 of 1,613,720 alleles (0.00081%); highest among the groups gnomAD compares: South Asian, 0.0011%; no homozygotes.

Submission:

PreventionGenetics, part of Exact Sciences
Classification: Uncertain significance for SMARCC2-related condition. Last evaluated: 2024-11-27. Review status: criteria provided, single submitter. Criteria: ACMG Guidelines, 2015. Collection method: clinical testing. Allele origin: germline.
Comment: The SMARCC2 c.3483G>A variant is not predicted to result in an amino acid change (p.=). To our knowledge, this variant has not been reported in the literature. This variant is predicted to impact splicing based on splicing prediction programs (SpliceAI, Jaganathan K, et al. 2019. PubMed ID: 30661751). However, the use of computer prediction programs is not equivalent to functional evidence. This variant is reported in 0.0039% of alleles in individuals of European (Non-Finnish) descent in gnomAD. At this time, the clinical significance of this variant is uncertain due to the absence of conclusive functional and genetic evidence.

NM_001330288.2(SMARCC2):c.3576G>A (p.Pro1192=)

Gene: SMARCC2 (SWI/SNF related BAF chromatin remodeling complex subunit C2; minus strand). Cytogenetic location: 12q13.2.
Variant type: single nucleotide variant.
Coding change: c.3576G>A on transcript NM_001330288.2 (MANE Select); coding-DNA position 3576, G replaced by A.
Protein change: p.Pro1192=; no amino-acid change (proline 1192 retained).
Molecular consequence: synonymous variant. On other transcripts: intron variant (2).
Genome position (GRCh38, 1-based): chr12:56,164,388, C>T on the plus strand (G>A on the coding strand, the complement: SMARCC2 is on the minus strand). VCF-style: chr12-56164388-C-T. GRCh37 (hg19) VCF-style: chr12-56558172-C-T.
Other names: c.3483G>A, p.Pro1161= (NM_003075.5); c.3316+260G>A (NM_139067.4); c.3317-20G>A (NM_001130420.3).
Identifiers: ClinVar variation 4986406 (VCV004986406.1).
Genomic context (GRCh38, chr12:56,164,388, plus strand): 5'-GAGGTTGCCCTGAACAGCTGCCACAATGGCAGGGCTTTGGGCTGCGGCGGATCCGAGCCC[C>T]GGCCCGAGAGGCAAGGAAGATGGCATGGTGGTGGTCGCCGGCAGGTTAGGATGTAGAGGG-3'
Protein context (NP_001317217.1, residues 1182-1202): TTMPSSLPLG[Pro1192=]GLGSAAAQSP